The following is an entry in ClinVar:

ClinVar aggregate classification (germline): Uncertain significance. Review status: criteria provided, multiple submitters, no conflicts (2 of 4 stars). 3 submissions from 3 submitters: Uncertain significance (3). Last evaluated 2025-08-05.

Conditions:
Hereditary cancer-predisposing syndrome. Also called: Neoplastic Syndromes, Hereditary; Hereditary Cancer Syndrome; Tumor predisposition; Hereditary neoplastic syndrome. Identifiers: Orphanet 140162, MedGen C0027672, MeSH D009386, MONDO:0015356.
Gorlin syndrome. Also called: Nevoid Basal Cell Carcinoma Syndrome; Basal cell nevus syndrome. Identifiers: Orphanet 377, MedGen C0004779, MONDO:0007187.

Allele frequency attached by ClinVar (database versions not stated): TOPMed below 0.00001.

Submissions (3):

Labcorp Genetics (formerly Invitae), Labcorp
Classification: Uncertain significance for Gorlin syndrome. Last evaluated: 2025-08-05. Review status: criteria provided, single submitter. Criteria: Invitae Variant Classification Sherloc (09022015). Collection method: clinical testing. Allele origin: germline.
Comment: This sequence change replaces aspartic acid, which is acidic and polar, with glutamic acid, which is acidic and polar, at codon 930 of the PTCH1 protein (p.Asp930Glu). This variant is not present in population databases (gnomAD no frequency). This variant has not been reported in the literature in individuals affected with PTCH1-related conditions. ClinVar contains an entry for this variant (Variation ID: 1303972). Invitae Evidence Modeling of protein sequence and biophysical properties (such as structural, functional, and spatial information, amino acid conservation, physicochemical variation, residue mobility, and thermodynamic stability) has been performed for this missense variant. However, the output from this modeling did not meet the statistical confidence thresholds required to predict the impact of this variant on PTCH1 protein function. In summary, the available evidence is currently insufficient to determine the role of this variant in disease. Therefore, it has been classified as a Variant of Uncertain Significance.

Ambry Genetics
Classification: Uncertain significance for Hereditary cancer-predisposing syndrome. Last evaluated: 2023-05-18. Review status: criteria provided, single submitter. Criteria: Ambry Variant Classification Scheme 2023. Collection method: clinical testing. Allele origin: germline.
Comment: The p.D930E variant (also known as c.2790C>G), located in coding exon 17 of the PTCH1 gene, results from a C to G substitution at nucleotide position 2790. The aspartic acid at codon 930 is replaced by glutamic acid, an amino acid with highly similar properties. This amino acid position is conserved. In addition, the in silico prediction for this alteration is inconclusive. Since supporting evidence is limited at this time, the clinical significance of this alteration remains unclear.

GeneDx
Classification: Uncertain significance. Last evaluated: 2019-10-16. Review status: criteria provided, single submitter. Criteria: GeneDx Variant Classification Process June 2021. Collection method: clinical testing. Allele origin: germline. Affected: yes.
Comment: Not observed in large population cohorts (Lek et al., 2016); In silico analysis, which includes protein predictors and evolutionary conservation, supports a deleterious effect; Has not been previously published as pathogenic or benign to our knowledge

NM_000264.5(PTCH1):c.2790C>G (p.Asp930Glu)

Gene: PTCH1 (patched 1; minus strand). Cytogenetic location: 9q22.32.
Variant type: single nucleotide variant.
Coding change: c.2790C>G on transcript NM_000264.5 (MANE Select); coding-DNA position 2790, C replaced by G.
Protein change: p.Asp930Glu; replaces aspartic acid 930 with glutamic acid.
Molecular consequence: missense variant. On other transcripts: non-coding transcript variant (1).
Genome position (GRCh38, 1-based): chr9:95,459,697, G>C on the plus strand (C>G on the coding strand, the complement: PTCH1 is on the minus strand). VCF-style: chr9-95459697-G-C. GRCh37 (hg19) VCF-style: chr9-98221979-G-C.
Other names: c.2787C>G, p.Asp929Glu (NM_001083603.3); c.2337C>G, p.Asp779Glu (NM_001083604.3, NM_001083605.3, NM_001083606.3 and 1 more transcripts); c.2634C>G, p.Asp878Glu (NM_001354918.2); c.2592C>G, p.Asp864Glu (NM_001083602.3); short protein forms D779E, D864E, D878E, D929E, D930E.
Identifiers: ClinVar variation 1303972 (VCV001303972.9), dbSNP rs1839290937, ClinGen allele CA374113070.
Genomic context (GRCh38, chr9:95,459,697, plus strand): 5'-GTGGACCCATTCTGGTCGGTGTGGCCGGATGTTGGCCTGGGAGGCAGCATACGCGACGGG[G>C]TCGTTGCTGACCCAAGCCGTCAGGTAGATGTAGAAAGCGCTGGGATTAATGATGCCATCT-3'
Protein context (NP_000255.2, residues 920-940): YIYLTAWVSN[Asp930Glu]PVAYAASQAN